The following is an entry in ClinVar:

ClinVar aggregate classification (germline): Conflicting classifications of pathogenicity. Review status: criteria provided, conflicting classifications (1 of 4 stars). 6 submissions from 6 submitters: Uncertain significance (1); Benign (1); Likely benign (3). 1 of the submissions does not count toward it. Last evaluated 2026-01-26.

Conditions:
CIB2-related disorder. Also called: CIB2-related condition.

Allele frequency attached by ClinVar (database versions not stated): gnomAD exomes 0.00011 and 0.00024; ExAC 0.00028; 1000 Genomes Project 30x 0.00047; 1000 Genomes Project 0.00060; gnomAD 0.00103 and 0.00116; ESP Exome Variant Server 0.00108; TOPMed 0.00117.
gnomAD v4.1: 328 of 1,614,136 alleles (0.02%); highest among the groups gnomAD compares: African/African-American, 0.37%; 1 homozygote.

Submissions (6):

Labcorp Genetics (formerly Invitae), Labcorp
Classification: Benign. Last evaluated: 2026-01-26. Review status: criteria provided, single submitter. Criteria: Invitae Variant Classification Sherloc (09022015). Collection method: clinical testing. Allele origin: germline.

Blueprint Genetics
Classification: Likely benign. Last evaluated: 2023-08-29. Review status: criteria provided, single submitter. Criteria: ACMG Guidelines, 2015. Collection method: clinical testing. Allele origin: germline.

CeGaT Center for Human Genetics Tuebingen
Classification: Likely benign. Last evaluated: 2023-02-01. Review status: criteria provided, single submitter. Criteria: CeGaT Center For Human Genetics Tuebingen Variant Classification Criteria Version 2. Collection method: clinical testing. Allele origin: germline. Affected: yes. Observed: 1 variant allele.
Comment: CIB2: BP4, BP7

GeneDx
Classification: Likely benign. Last evaluated: 2020-12-08. Review status: criteria provided, single submitter. Criteria: GeneDx Variant Classification Process June 2021. Collection method: clinical testing. Allele origin: germline. Affected: yes.

Eurofins Ntd Llc (ga)
Classification: Uncertain significance. Last evaluated: 2016-08-03. Review status: criteria provided, single submitter. Criteria: EGL Classification Definitions 2015. Collection method: clinical testing. Allele origin: germline. Observed: 1 variant allele, 1 heterozygote.

PreventionGenetics, part of Exact Sciences
Classification: Likely benign for CIB2-related condition. Last evaluated: 2020-03-27. Review status: no assertion criteria provided. Collection method: clinical testing. Allele origin: germline. Not counted in ClinVar's aggregate classification.
Comment: This variant is classified as likely benign based on ACMG/AMP sequence variant interpretation guidelines (Richards et al. 2015 PMID: 25741868, with internal and published modifications).

NM_006383.4(CIB2):c.231G>A (p.Ala77=)

Gene: CIB2 (calcium and integrin binding family member 2; minus strand). Cytogenetic location: 15q25.1.
Variant type: single nucleotide variant.
Coding change: c.231G>A on transcript NM_006383.4 (MANE Select); coding-DNA position 231, G replaced by A.
Protein change: p.Ala77=; no amino-acid change (alanine 77 retained).
Molecular consequence: synonymous variant. On other transcripts: non-coding transcript variant (1).
Genome position (GRCh38, 1-based): chr15:78,109,350, C>T on the plus strand (G>A on the coding strand, the complement: CIB2 is on the minus strand). VCF-style: chr15-78109350-C-T. GRCh37 (hg19) VCF-style: chr15-78401692-C-T.
Other names: c.102G>A, p.Ala34= (NM_001271888.2); c.84G>A, p.Ala28= (NM_001271889.2); c.246G>A, p.Ala82= (NM_001301224.2).
Identifiers: ClinVar variation 289436 (VCV000289436.47), dbSNP rs144346527, ClinGen allele CA7680261.
Genomic context (GRCh38, chr15:78,109,350, plus strand): 5'-CACGGAAAACATGTCCACAAAGTCGTTGAAAGTGAGGTTCCCCTCACCATCCTCGGAAAA[C>T]GCCGCCACGATCCTTTCTTTGAAGGGATTCTCCTGAAGAAAACACACACAGCAATCACTG-3'
Protein context (NP_006374.1, residues 67-87): ENPFKERIVA[Ala77=]FSEDGEGNLT